The following is an entry in ClinVar:

ClinVar aggregate classification (germline): Benign. Review status: criteria provided, multiple submitters, no conflicts (2 of 4 stars). 4 submissions from 2 submitters: Benign (4). Last evaluated 2021-05-12.

Conditions:
Greig cephalopolysyndactyly syndrome (GCPS). Also called: POLYSYNDACTYLY WITH PECULIAR SKULL SHAPE; Greig syndrome; GLI3-Related Greig Cephalopolysyndactyly Syndrome. Identifiers: Orphanet 380, MedGen C0265306, MONDO:0008287, OMIM 175700.
Pallister-Hall syndrome (PHS). Also called: HYPOTHALAMIC HAMARTOBLASTOMA, HYPOPITUITARISM, IMPERFORATE ANUS, AND POSTAXIAL POLYDACTYLY; GLI3-Related Pallister-Hall Syndrome. Identifiers: Orphanet 672, MedGen C0265220, MONDO:0007804, OMIM 146510.
Polydactyly. Also called: polydactylism. Identifiers: MedGen C0152427, MONDO:0021003, OMIM 603596, HP:0010442.

Allele frequency attached by ClinVar (database versions not stated): TOPMed 0.25059; gnomAD 0.25562 and 0.26189; 1000 Genomes Project 30x 0.25843; 1000 Genomes Project 0.26617; gnomAD exomes 0.40244.
gnomAD v4.1: 40,053 of 152,344 alleles (26%); highest among the groups gnomAD compares: East Asian, 40%; 6,292 homozygotes.

Submissions (4):

GeneDx
Classification: Benign. Last evaluated: 2021-05-12. Review status: criteria provided, single submitter. Criteria: GeneDx Variant Classification Process June 2021. Collection method: clinical testing. Allele origin: germline. Affected: yes.

Illumina Laboratory Services, Illumina
Classification: Benign for Pallister-Hall syndrome. Last evaluated: 2018-01-13. Review status: criteria provided, single submitter. Criteria: ICSL Variant Classification Criteria 13 December 2019. Collection method: clinical testing. Allele origin: germline.
Comment: This variant was observed in the ICSL laboratory as part of a predisposition screen in an ostensibly healthy population. It had not been previously curated by ICSL or reported in the Human Gene Mutation Database (HGMD: prior to June 1st, 2018), and was therefore a candidate for classification through an automated scoring system. Utilizing variant allele frequency, disease prevalence and penetrance estimates, and inheritance mode, an automated score was calculated to assess if this variant is too frequent to cause the disease. Based on the score and internal cut-off values, a variant classified as benign is not then subjected to further curation. The score for this variant resulted in a classification of benign for this disease.

Illumina Laboratory Services, Illumina
Classification: Benign for Greig cephalopolysyndactyly syndrome. Last evaluated: 2018-01-13. Review status: criteria provided, single submitter. Criteria: ICSL Variant Classification Criteria 13 December 2019. Collection method: clinical testing. Allele origin: germline.
Comment: the same text as in the submission from Illumina Laboratory Services, Illumina above.

Illumina Laboratory Services, Illumina
Classification: Benign for Polydactyly. Last evaluated: 2018-01-13. Review status: criteria provided, single submitter. Criteria: ICSL Variant Classification Criteria 13 December 2019. Collection method: clinical testing. Allele origin: germline.
Comment: the same text as in the submission from Illumina Laboratory Services, Illumina above.

NM_000168.6(GLI3):c.*2757C>T

Gene: GLI3 (GLI family zinc finger 3; minus strand). Cytogenetic location: 7p14.1.
Variant type: single nucleotide variant.
Coding change: c.*2757C>T on transcript NM_000168.6 (MANE Select); 2757 bases downstream of the stop codon, C replaced by T.
Molecular consequence: 3 prime UTR variant.
Genome position (GRCh38, 1-based): chr7:41,961,573, G>A on the plus strand (C>T on the coding strand, the complement: GLI3 is on the minus strand). VCF-style: chr7-41961573-G-A. GRCh37 (hg19) VCF-style: chr7-42001171-G-A.
Identifiers: ClinVar variation 360162 (VCV000360162.6), dbSNP rs3823720, ClinGen allele CA10623946.